The following is an entry in ClinVar:

ClinVar aggregate classification (germline): Conflicting classifications of pathogenicity. Review status: criteria provided, conflicting classifications (1 of 4 stars). 6 submissions from 6 submitters: Uncertain significance (5); Likely benign (1). Last evaluated 2026-01-08.

Conditions:
TTN-related disorder. Also called: TTN-related disorders; TTN-related condition; TTN-related disease.
Cardiovascular phenotype. Identifiers: MedGen CN230736.
Dilated cardiomyopathy 1G (CMD1G). Identifiers: Orphanet 154, MedGen C1858763, MONDO:0011400, OMIM 604145.
Autosomal recessive limb-girdle muscular dystrophy type 2J (LGMDR10). Also called: Limb-girdle muscular dystrophy, type 2J; MUSCULAR DYSTROPHY, LIMB-GIRDLE, AUTOSOMAL RECESSIVE 10. Identifiers: Orphanet 140922, MedGen C1837342, MONDO:0012127, OMIM 608807.

Allele frequency attached by ClinVar (database versions not stated): gnomAD exomes 0.00001 and 0.00002; ExAC 0.00003; gnomAD 0.00007 and 0.00009; TOPMed 0.00010; ESP Exome Variant Server 0.00015.
gnomAD v4.1: 23 of 1,614,004 alleles (0.0014%); highest among the groups gnomAD compares: African/African-American, 0.029%; no homozygotes.

Submissions (6):

PreventionGenetics, part of Exact Sciences
Classification: Uncertain significance for TTN-related condition. Last evaluated: 2026-01-08. Review status: criteria provided, single submitter. Criteria: ACMG Guidelines, 2015. Collection method: clinical testing. Allele origin: germline.
Comment: The TTN c.2360T>C variant is predicted to result in the amino acid substitution p.Ile787Thr. To our knowledge, this variant has not been reported in the literature. This variant is reported in 0.036% of alleles in individuals of African descent in gnomAD. At this time, the clinical significance of this variant is uncertain due to the absence of conclusive functional and genetic evidence.

CeGaT Center for Human Genetics Tuebingen
Classification: Uncertain significance. Last evaluated: 2023-09-01. Review status: criteria provided, single submitter. Criteria: CeGaT Center For Human Genetics Tuebingen Variant Classification Criteria Version 2. Collection method: clinical testing. Allele origin: germline. Affected: yes. Observed: 1 variant allele.
Comment: TTN: PM2

Revvity Omics, Revvity
Classification: Uncertain significance. Last evaluated: 2022-06-29. Review status: criteria provided, single submitter. Criteria: ACMG Guidelines, 2015. Collection method: clinical testing. Allele origin: germline.

Ambry Genetics
Classification: Uncertain significance for Cardiovascular phenotype. Last evaluated: 2019-05-29. Review status: criteria provided, single submitter. Criteria: Ambry Variant Classification Scheme 2023. Collection method: clinical testing. Allele origin: germline.
Comment: The p.I741T variant (also known as c.2222T>C), located in coding exon 12 of the TTN gene, results from a T to C substitution at nucleotide position 2222. The isoleucine at codon 741 is replaced by threonine, an amino acid with similar properties. This amino acid position is well conserved in available vertebrate species. In addition, the in silico prediction for this alteration is inconclusive. Since supporting evidence is limited at this time, the clinical significance of this alteration remains unclear.

GeneDx
Classification: Likely benign. Last evaluated: 2018-08-09. Review status: criteria provided, single submitter. Criteria: GeneDx Variant Classification Process June 2021. Collection method: clinical testing. Allele origin: germline. Affected: yes.

Labcorp Genetics (formerly Invitae), Labcorp
Classification: Uncertain significance for Dilated cardiomyopathy 1G; Autosomal recessive limb-girdle muscular dystrophy type 2J. Last evaluated: 2017-11-27. Review status: criteria provided, single submitter. Criteria: Invitae Variant Classification Sherloc (09022015). Collection method: clinical testing. Allele origin: germline.

NM_001267550.2(TTN):c.2360T>C (p.Ile787Thr)

Gene: TTN (titin; minus strand). Cytogenetic location: 2q31.2.
Variant type: single nucleotide variant.
Coding change: c.2360T>C on transcript NM_001267550.2 (MANE Select); coding-DNA position 2360, T replaced by C.
Protein change: p.Ile787Thr; replaces isoleucine 787 with threonine.
Molecular consequence: missense variant.
Genome position (GRCh38, 1-based): chr2:178,785,858, A>G on the plus strand (T>C on the coding strand, the complement: TTN is on the minus strand). VCF-style: chr2-178785858-A-G. GRCh37 (hg19) VCF-style: chr2-179650585-A-G.
Other names: c.2360T>C, p.Ile787Thr (NM_001256850.1, NM_133378.4, NM_133379.5); c.2222T>C, p.Ile741Thr (NM_003319.4, NM_133432.3, NM_133437.4); short protein forms I787T, I741T.
Identifiers: ClinVar variation 535139 (VCV000535139.36), dbSNP rs143444636, ClinGen allele CA2005850.